The following is an entry in ClinVar:

ClinVar aggregate classification (germline): Uncertain significance (1 of 4 stars; one submission).

Submission:

Women's Health and Genetics/Laboratory Corporation of America, LabCorp
Classification: Uncertain significance. Last evaluated: 2025-10-02. Review status: criteria provided, single submitter. Criteria: LabCorp Variant Classification Summary - May 2015. Collection method: clinical testing. Allele origin: germline.
Comment: Variant summary: ADGRV1 c.12961G>C (p.Glu4321Gln) results in a conservative amino acid change in the encoded protein sequence. Algorithms developed to predict the effect of missense changes on protein structure and function all suggest that this variant is likely to be tolerated. The variant was absent in 248770 control chromosomes. The available data on variant occurrences in the general population are insufficient to allow any conclusion about variant significance. To our knowledge, no occurrence of c.12961G>C in individuals affected with ADGRV1-related conditions and no experimental evidence demonstrating its impact on protein function have been reported. No submitters have cited clinical-significance assessments for this variant to ClinVar. Based on the evidence outlined above, the variant was classified as uncertain significance.

NM_032119.4(ADGRV1):c.12961G>C (p.Glu4321Gln)

Gene: ADGRV1 (adhesion G protein-coupled receptor V1; plus strand). Cytogenetic location: 5q14.3.
Variant type: single nucleotide variant.
Coding change: c.12961G>C on transcript NM_032119.4 (MANE Select); coding-DNA position 12961, G replaced by C.
Protein change: p.Glu4321Gln; replaces glutamic acid 4321 with glutamine.
Molecular consequence: missense variant. On other transcripts: non-coding transcript variant (1).
Genome position (GRCh38, 1-based): chr5:90,778,976, G>C. VCF-style: chr5-90778976-G-C. GRCh37 (hg19) VCF-style: chr5-90074793-G-C.
Other names: short protein forms E4321Q.
Identifiers: ClinVar variation 4687609 (VCV004687609.1).
Genomic context (GRCh38, chr5:90,778,976, plus strand): 5'-TGGTACAAGACGATGAGCGGGACAGCGGAAGCAGGCTTGGATTTTGTTCCTGCAGCAGGG[G>C]AGCTCCTCTTTGAAGCAGGGGAGATGAGGAAAAGTCTGCATGTTGAAATCCTTGATGATG-3'
Protein context (NP_115495.3, residues 4311-4331): AGLDFVPAAG[Glu4321Gln]LLFEAGEMRK